The following is an entry in ClinVar:

NM_198334.3(GANAB):c.20T>G (p.Val7Gly)

Gene: GANAB (glucosidase II alpha subunit; minus strand). Cytogenetic location: 11q12.3.
Variant type: single nucleotide variant.
Coding change: c.20T>G on transcript NM_198334.3 (MANE Select); coding-DNA position 20, T replaced by G.
Protein change: p.Val7Gly; replaces valine 7 with glycine.
Molecular consequence: missense variant. On other transcripts: 5 prime UTR variant (3).
Genome position (GRCh38, 1-based): chr11:62,646,580, A>C on the plus strand (T>G on the coding strand, the complement: GANAB is on the minus strand). VCF-style: chr11-62646580-A-C. GRCh37 (hg19) VCF-style: chr11-62414052-A-C.
Other names: c.20T>G, p.Val7Gly (NM_001278192.2, NM_001278193.2, NM_198335.4); c.-163T>G (NM_001278194.2); c.-268T>G (NM_001329223.2); c.-757T>G (NM_001329225.2); c.20T>G (NM_198335.2, NM_198335.3); short protein forms V7G.
Identifiers: ClinVar variation 1301211 (VCV001301211.11), dbSNP rs780758909, ClinGen allele CA6051262.

ClinVar aggregate classification (germline): Conflicting classifications of pathogenicity. Review status: criteria provided, conflicting classifications (1 of 4 stars). 4 submissions from 4 submitters: Uncertain significance (1); Likely benign (2). 1 of the submissions does not count toward it. Last evaluated 2025-09-14.

Conditions:
Inborn genetic diseases. Identifiers: MedGen C0950123, MeSH D030342.
GANAB-related disorder. Also called: GANAB-related condition.

Allele frequency attached by ClinVar (database versions not stated): 1000 Genomes Project 30x 0.00031.
gnomAD v4.1: 152 of 1,613,400 alleles (0.0094%); highest among the groups gnomAD compares: Admixed American, 0.1%; no homozygotes.

Submissions (4):

Labcorp Genetics (formerly Invitae), Labcorp
Classification: Likely benign. Last evaluated: 2025-09-14. Review status: criteria provided, single submitter. Criteria: Invitae Variant Classification Sherloc (09022015). Collection method: clinical testing. Allele origin: germline.

Ambry Genetics
Classification: Uncertain significance for Inborn genetic diseases. Last evaluated: 2021-10-06. Review status: criteria provided, single submitter. Criteria: Ambry Variant Classification Scheme 2023. Collection method: clinical testing. Allele origin: germline.

GeneDx
Classification: Likely benign. Last evaluated: 2020-04-03. Review status: criteria provided, single submitter. Criteria: GeneDx Variant Classification Process June 2021. Collection method: clinical testing. Allele origin: germline. Affected: yes.
Comment: In silico analysis, which includes protein predictors and evolutionary conservation, supports that this variant does not alter protein structure/function; Has not been previously published as pathogenic or benign to our knowledge

PreventionGenetics, part of Exact Sciences
Classification: Uncertain significance for GANAB-related condition. Last evaluated: 2024-07-05. Review status: no assertion criteria provided. Collection method: clinical testing. Allele origin: germline. Not counted in ClinVar's aggregate classification.
Comment: The GANAB c.20T>G variant is predicted to result in the amino acid substitution p.Val7Gly. To our knowledge, this variant has not been reported in the literature. This variant is reported in 0.042% of alleles in individuals of Latino descent in gnomAD. Although we suspect that this variant may be benign, at this time, the clinical significance of this variant is uncertain due to the absence of conclusive functional and genetic evidence.